The following is an entry in ClinVar:

NM_004333.6(BRAF):c.68T>A (p.Met23Lys)

Gene: BRAF (B-Raf proto-oncogene, serine/threonine kinase; minus strand). Cytogenetic location: 7q34.
Variant type: single nucleotide variant.
Coding change: c.68T>A on transcript NM_004333.6 (MANE Select); coding-DNA position 68, T replaced by A.
Protein change: p.Met23Lys; replaces methionine 23 with lysine.
Molecular consequence: missense variant.
Genome position (GRCh38, 1-based): chr7:140,924,636, A>T on the plus strand (T>A on the coding strand, the complement: BRAF is on the minus strand). VCF-style: chr7-140924636-A-T. GRCh37 (hg19) VCF-style: chr7-140624436-A-T.
Other names: c.68T>A, p.Met23Lys (NM_001354609.2, NM_001374244.1, NM_001374258.1 and 7 more transcripts); short protein forms M23K.
Identifiers: ClinVar variation 579533 (VCV000579533.10), dbSNP rs746778122, ClinGen allele CA4517045.

ClinVar aggregate classification (germline): Benign/Likely benign. Review status: criteria provided, multiple submitters, no conflicts (2 of 4 stars). 3 submissions from 3 submitters: Benign (1); Likely benign (1). 1 of the submissions does not count toward it. Last evaluated 2022-12-06.

Conditions:
BRAF-related disorder. Also called: BRAF-related condition.
RASopathy. Also called: rasopathies; Noonan spectrum disorder. Identifiers: Orphanet 536391, MedGen C5555857, MONDO:0021060.

Allele frequency attached by ClinVar (database versions not stated): gnomAD below 0.00001 and 0.00001; gnomAD exomes 0.00008; ExAC 0.00029.
gnomAD v4.1: 35 of 1,490,644 alleles (0.0023%); highest among the groups gnomAD compares: South Asian, 0.042%; no homozygotes.

Submissions (3):

Labcorp Genetics (formerly Invitae), Labcorp
Classification: Likely benign for RASopathy. Last evaluated: 2022-12-06. Review status: criteria provided, single submitter. Criteria: Invitae Variant Classification Sherloc (09022015). Collection method: clinical testing. Allele origin: germline.

Women's Health and Genetics/Laboratory Corporation of America, LabCorp
Classification: Benign. Last evaluated: 2018-09-02. Review status: criteria provided, single submitter. Criteria: LabCorp Variant Classification Summary - May 2015. Collection method: clinical testing. Allele origin: germline.
Comment: Variant summary: BRAF c.68T>A (p.Met23Lys) results in a non-conservative amino acid change in the encoded protein sequence. Three of four in-silico tools predict a benign effect of the variant on protein function (Mutation Taster not included due to low p-value). The variant allele was found at a frequency of 8.3e-05 in 121194 control chromosomes, predominantly at a frequency of 0.00045 within the South Asian subpopulation in the gnomAD database. The observed variant frequency within South Asian control individuals in the gnomAD database is approximately 180-folds higher than the estimated maximal expected allele frequency for a pathogenic variant in BRAF causing Noonan Syndrome and Related Conditions phenotype (2.5e-06), strongly suggesting that the variant is a benign polymorphism found primarily in populations of South Asian origin. To our knowledge, no occurrence of c.68T>A in individuals affected with Noonan Syndrome and Related Conditions and no experimental evidence demonstrating its impact on protein function have been reported. No clinical diagnostic laboratories have submitted clinical-significance assessments for this variant to ClinVar after 2014. Based on the evidence outlined above, the variant was classified as benign.

PreventionGenetics, part of Exact Sciences
Classification: Uncertain significance for BRAF-related condition. Last evaluated: 2024-08-28. Review status: no assertion criteria provided. Collection method: clinical testing. Allele origin: germline. Not counted in ClinVar's aggregate classification.
Comment: The BRAF c.68T>A variant is predicted to result in the amino acid substitution p.Met23Lys. To our knowledge, this variant has not been reported in the literature. This variant is reported in 0.045% of alleles in individuals of South Asian descent in gnomAD. At this time, the clinical significance of this variant is uncertain due to the absence of conclusive functional and genetic evidence.